The following is an entry in ClinVar:

NM_001267550.2(TTN):c.26861C>A (p.Pro8954Gln)

Gene: TTN (titin; minus strand). Cytogenetic location: 2q31.2.
Variant type: single nucleotide variant.
Coding change: c.26861C>A on transcript NM_001267550.2 (MANE Select); coding-DNA position 26861, C replaced by A.
Protein change: p.Pro8954Gln; replaces proline 8954 with glutamine.
Molecular consequence: missense variant. On other transcripts: intron variant (3).
Genome position (GRCh38, 1-based): chr2:178,713,273, G>T on the plus strand (C>A on the coding strand, the complement: TTN is on the minus strand). VCF-style: chr2-178713273-G-T. GRCh37 (hg19) VCF-style: chr2-179578000-G-T.
Other names: c.25910C>A, p.Pro8637Gln (NM_001256850.1); c.23129C>A, p.Pro7710Gln (NM_133378.4); c.13282+24809C>A (NM_003319.4); c.13858+24809C>A (NM_133437.4); c.13657+24809C>A (NM_133432.3); short protein forms P7710Q, P8954Q, P8637Q.
Identifiers: ClinVar variation 263539 (VCV000263539.3), dbSNP rs752903252, ClinGen allele CA10587506.

ClinVar aggregate classification (germline): Uncertain significance (1 of 4 stars; one submission).

Conditions:
Cardiovascular phenotype. Identifiers: MedGen CN230736.

Submission:

Ambry Genetics
Classification: Uncertain significance for Cardiovascular phenotype. Last evaluated: 2013-02-27. Review status: criteria provided, single submitter. Criteria: Ambry Autosomal Dominant and X-Linked criteria (10/2015). Collection method: clinical testing. Allele origin: germline. Observed: 1 variant allele.
Comment: There is insufficient or conflicting evidence for classification of this alteration.